The following is an entry in ClinVar:

NM_007194.4(CHEK2):c.1009-2A>G

Gene: CHEK2 (checkpoint kinase 2; minus strand). Cytogenetic location: 22q12.1.
Variant type: single nucleotide variant.
Coding change: c.1009-2A>G on transcript NM_007194.4 (MANE Select); the canonical splice acceptor site of the intron before coding-DNA position 1009, A replaced by G.
Molecular consequence: splice acceptor variant. On other transcripts: intron variant (3).
Genome position (GRCh38, 1-based): chr22:28,696,989, T>C on the plus strand (A>G on the coding strand, the complement: CHEK2 is on the minus strand). VCF-style: chr22-28696989-T-C. GRCh37 (hg19) VCF-style: chr22-29092977-T-C.
Other names: c.346-2A>G (NM_001437942.1, NM_001257387.3); c.808-2A>G (NM_001349956.3); c.1009-1116A>G (NM_145862.3); c.1102-1116A>G (NM_001438295.1); c.1102-2A>G (NM_001438293.1); c.1138-1116A>G (NM_001438294.1); c.1138-2A>G (NM_001005735.3).
Identifiers: ClinVar variation 428913 (VCV000428913.37), dbSNP rs766158073, ClinGen allele CA10167745.

ClinVar aggregate classification (germline): Likely pathogenic. Review status: criteria provided, multiple submitters, no conflicts (2 of 4 stars). 5 submissions from 5 submitters: Likely pathogenic (4). 1 of the submissions does not count toward it. Last evaluated 2025-10-07.

Conditions:
Familial cancer of breast. Also called: Hereditary breast cancer; hereditary breast carcinoma; BREAST CANCER, FAMILIAL. Identifiers: Orphanet 227535, MedGen C0346153, MONDO:0016419, OMIM 114480. Disease mechanism: loss of function.
Hereditary cancer-predisposing syndrome. Also called: Hereditary Cancer Syndrome; Neoplastic Syndromes, Hereditary; Hereditary neoplastic syndrome; Tumor predisposition. Identifiers: Orphanet 140162, MedGen C0027672, MeSH D009386, MONDO:0015356.

Allele frequency attached by ClinVar (database versions not stated): gnomAD exomes below 0.00001; ExAC 0.00001.
gnomAD v4.1: 2 of 1,603,580 alleles (0.00012%); highest among the groups gnomAD compares: Non-Finnish European, 0.00017%; no homozygotes.

Submissions (5):

Labcorp Genetics (formerly Invitae), Labcorp
Classification: Likely pathogenic for Familial cancer of breast. Last evaluated: 2025-10-07. Review status: criteria provided, single submitter. Criteria: Invitae Variant Classification Sherloc (09022015). Collection method: clinical testing. Allele origin: germline.
Comment: This sequence change affects an acceptor splice site in intron 9 of the CHEK2 gene. It is expected to disrupt RNA splicing. Variants that disrupt the donor or acceptor splice site typically lead to a loss of protein function (PMID: 16199547), and loss-of-function variants in CHEK2 are known to be pathogenic (PMID: 21876083, 24713400). This variant is present in population databases (rs766158073, gnomAD 0.0009%). Disruption of this splice site has been observed in individual(s) with breast and/or ovarian cancer (PMID: 36495689, 37563628). ClinVar contains an entry for this variant (Variation ID: 428913). Algorithms developed to predict the effect of sequence changes on RNA splicing suggest that this variant may disrupt the consensus splice site. In summary, the currently available evidence indicates that the variant is pathogenic, but additional data are needed to prove that conclusively. Therefore, this variant has been classified as Likely Pathogenic.

Ambry Genetics
Classification: Likely pathogenic for Hereditary cancer-predisposing syndrome. Last evaluated: 2025-01-09. Review status: criteria provided, single submitter. Criteria: Ambry Variant Classification Scheme 2023. Collection method: clinical testing. Allele origin: germline.
Comment: The c.1009-2A>G intronic variant results from an A to G substitution two nucleotides upstream from coding exon 9 in the CHEK2 gene. Alterations that disrupt the canonical splice site are expected to result in aberrant splicing. In silico splice site analysis predicts that this alteration will weaken the native splice acceptor site. RNA studies have demonstrated that this alteration causes abnormal splicing that results in the in-frame skipping of coding exon 9 (Ambry internal data). Based on internal structural analysis, the loss of coding exon 9 is deleterious as the variant disrupts a region and residues of known function (Matsuoka S. et al. Science 1998 Dec;282(5395):1893-7; Falck J. et al. Nature 2001 Apr;410(6830):842-7; Silva-Santisteban MC. et al. PLoS One 2013 Jun;8(6):e65689). This nucleotide position is highly conserved in available vertebrate species. This variant is considered to be rare based on population cohorts in the Genome Aggregation Database (gnomAD). Based on the majority of available evidence to date, this variant is likely to be pathogenic.

Myriad Genetics, Inc.
Classification: Likely pathogenic for Familial cancer of breast. Last evaluated: 2023-06-27. Review status: criteria provided, single submitter. Criteria: Myriad Autosomal Dominant, Autosomal Recessive and X-Linked Classification Criteria (2023). Collection method: clinical testing. Allele origin: unknown.
Comment: This variant is considered likely pathogenic. This variant occurs within a consensus splice junction and is predicted to result in abnormal mRNA splicing of either an out-of-frame exon or an in-frame exon necessary for protein stability and/or normal function.

Institute of Medical Genetics and Applied Genomics, University Hospital Tübingen
Classification: Likely pathogenic. Last evaluated: 2021-06-17. Review status: criteria provided, single submitter. Criteria: ACMG Guidelines, 2015. Collection method: clinical testing. Allele origin: germline. Inheritance: Autosomal dominant inheritance. Affected: yes.

BRCAlab, Lund University
Classification: Likely pathogenic for Familial cancer of breast. Last evaluated: 2022-08-26. Review status: no assertion criteria provided. Collection method: clinical testing. Allele origin: germline. Affected: yes. Not counted in ClinVar's aggregate classification.

Literature cited by the submitters: PubMed 16199547 (cited by Labcorp Genetics (formerly Invitae), Labcorp); PubMed 21876083 (cited by Labcorp Genetics (formerly Invitae), Labcorp); PubMed 24713400 (cited by Labcorp Genetics (formerly Invitae), Labcorp); PubMed 36495689 (cited by Labcorp Genetics (formerly Invitae), Labcorp); PubMed 37563628 (cited by Labcorp Genetics (formerly Invitae), Labcorp); PubMed 11298456 (cited by Ambry Genetics); PubMed 9836640 (cited by Ambry Genetics).